The following is an entry in ClinVar:

ClinVar aggregate classification (germline): Benign (0 of 4 stars; one submission).

Conditions:
MINPP1-related disorder. Also called: MINPP1-related condition.

Allele frequency attached by ClinVar (database versions not stated): TOPMed 0.00085; gnomAD 0.00154.
gnomAD v4.1: 2,665 of 1,610,388 alleles (0.17%); highest among the groups gnomAD compares: Non-Finnish European, 0.17%; 6 homozygotes.

Submission:

PreventionGenetics, part of Exact Sciences
Classification: Benign for MINPP1-related condition. Last evaluated: 2019-05-10. Review status: no assertion criteria provided. Collection method: clinical testing. Allele origin: germline.
Comment: This variant is classified as benign based on ACMG/AMP sequence variant interpretation guidelines (Richards et al. 2015 PMID: 25741868, with internal and published modifications).

NM_004897.5(MINPP1):c.836-9T>C

Gene: MINPP1 (multiple inositol-polyphosphate phosphatase 1; plus strand). Cytogenetic location: 10q23.2.
Variant type: single nucleotide variant.
Coding change: c.836-9T>C on transcript NM_004897.5 (MANE Select); 9 bases into the intron before coding-DNA position 836, T replaced by C.
Molecular consequence: intron variant.
Genome position (GRCh38, 1-based): chr10:87,513,115, T>C. VCF-style: chr10-87513115-T-C. GRCh37 (hg19) VCF-style: chr10-89272872-T-C.
Other names: c.835+4582T>C (NM_001178117.2); c.233-9T>C (NM_001178118.2).
Identifiers: ClinVar variation 3041396 (VCV003041396.2), dbSNP rs199609056, ClinGen allele CA5589125.